The following is an entry in ClinVar:

NM_001846.4(COL4A2):c.1047del (p.Ala350fs)

Gene: COL4A2 (collagen type IV alpha 2 chain; plus strand). Cytogenetic location: 13q34.
Variant type: Deletion.
Coding change: c.1047del on transcript NM_001846.4 (MANE Select); coding-DNA position 1047, one base deleted (T; older notation c.1047delT).
Protein change: p.Ala350fs; shifts the reading frame from alanine 350.
Molecular consequence: frameshift variant.
Genome position (GRCh38, 1-based): chr13:110,446,833, T deleted. VCF-style (leftmost placement, unchanged base first): chr13-110446832-CT-C. GRCh37 (hg19) VCF-style: chr13-111099179-CT-C.
Other names: short protein forms A350fs.
Identifiers: ClinVar variation 4857866 (VCV004857866.1).
Genomic context (GRCh38, chr13:110,446,832, plus strand): 5'-CCTGTTTTTCTCTTTTCTTTCTCTAGGGAGAAGCCGGAGACCCAGGGCCCCCTGGACTAC[CT>C]GCCTACTCCCCTCACCCTTCCCTAGCAAAAGGTGTGTGAACAATTTCACCTGCATAGTTC-3'

ClinVar aggregate classification (germline): Likely pathogenic (1 of 4 stars; one submission).

Conditions:
Brain small vessel disease 2A, autosomal dominant. Also called: Porencephaly 2. Identifiers: Orphanet 2940, Orphanet 99810, MedGen C3280970, MONDO:0013773, OMIM 614483.

Submission:

Department of Clinical Genetics, Aarhus University Hospital
Classification: Likely pathogenic for Brain small vessel disease 2A, autosomal dominant. Review status: criteria provided, single submitter. Criteria: ACMG Guidelines, 2015. Collection method: clinical testing. Allele origin: maternal. Inheritance: Autosomal dominant inheritance. Affected: yes.
Comment: The variant is not seen in gnomAD v4.1. The variant is a frameshift variant predicted to cause a premature termination codon in exon 18 of 48, and is anticipated to result in nonsense mediated decay. To our knowledge the variant has not been reported in individuals with COL4A2-associated disease. According to the ACMG guidelines, this variant is interpreted as likely pathogenic (PVS1, PM2_supporting).

Literature cited by the submitters: PubMed 22333902.